The following is an entry in ClinVar:

NM_000512.5(GALNS):c.1278G>T (p.Gly426=)

Gene: GALNS (galactosamine (N-acetyl)-6-sulfatase; minus strand). Cytogenetic location: 16q24.3.
Variant type: single nucleotide variant.
Coding change: c.1278G>T on transcript NM_000512.5 (MANE Select); coding-DNA position 1278, G replaced by T.
Protein change: p.Gly426=; no amino-acid change (glycine 426 retained).
Molecular consequence: synonymous variant.
Genome position (GRCh38, 1-based): chr16:88,822,675, C>A on the plus strand (G>T on the coding strand, the complement: GALNS is on the minus strand). VCF-style: chr16-88822675-C-A. GRCh37 (hg19) VCF-style: chr16-88889083-C-A.
Other names: c.723G>T, p.Gly241= (NM_001323543.2); c.1296G>T, p.Gly432= (NM_001323544.2).
Identifiers: ClinVar variation 321190 (VCV000321190.23), dbSNP rs76651187, ClinGen allele CA8234736.

ClinVar aggregate classification (germline): Benign. Review status: criteria provided, multiple submitters, no conflicts (2 of 4 stars). 5 submissions from 5 submitters: Benign (4). 1 of the submissions does not count toward it. Last evaluated 2026-01-31.

Conditions:
Mucopolysaccharidosis, MPS-IV-A (MPS4A). Also called: Mucopolysaccharidosis type IV A; Mucopolysaccharidosis Type IVA; Morquio syndrome A, mild; MORQUIO SYNDROME A; MPS IVA; mucopolysaccharidosis type 4A. Identifiers: Orphanet 309297, Orphanet 582, MedGen C0086651, MONDO:0009659, OMIM 253000.

Allele frequency attached by ClinVar (database versions not stated): gnomAD exomes 0.00098 and 0.00275; ExAC 0.00348; gnomAD 0.01011 and 0.01075; ESP Exome Variant Server 0.01170; TOPMed 0.01182; 1000 Genomes Project 0.01458; 1000 Genomes Project 30x 0.01468.
gnomAD v4.1: 3,064 of 1,613,036 alleles (0.19%); highest among the groups gnomAD compares: African/African-American, 3.5%; 42 homozygotes.

Submissions (6):

Labcorp Genetics (formerly Invitae), Labcorp
Classification: Benign for Mucopolysaccharidosis, MPS-IV-A. Last evaluated: 2026-01-31. Review status: criteria provided, single submitter. Criteria: Invitae Variant Classification Sherloc (09022015). Collection method: clinical testing. Allele origin: germline.

Genome-Nilou Lab
Classification: Benign for Mucopolysaccharidosis, MPS-IV-A. Last evaluated: 2021-11-07. Review status: criteria provided, single submitter. Criteria: ACMG Guidelines, 2015. Collection method: clinical testing. Allele origin: germline. Affected: no.

Illumina Laboratory Services, Illumina
Classification: Benign for Mucopolysaccharidosis, MPS-IV-A. Last evaluated: 2018-01-13. Review status: criteria provided, single submitter. Criteria: ICSL Variant Classification Criteria 13 December 2019. Collection method: clinical testing. Allele origin: germline.
Comment: This variant was observed in the ICSL laboratory as part of a predisposition screen in an ostensibly healthy population. It had not been previously curated by ICSL or reported in the Human Gene Mutation Database (HGMD: prior to June 1st, 2018), and was therefore a candidate for classification through an automated scoring system. Utilizing variant allele frequency, disease prevalence and penetrance estimates, and inheritance mode, an automated score was calculated to assess if this variant is too frequent to cause the disease. Based on the score and internal cut-off values, a variant classified as benign is not then subjected to further curation. The score for this variant resulted in a classification of benign for this disease.

Breakthrough Genomics
Classification: Benign. Review status: criteria provided, single submitter. Criteria: ACMG Guidelines, 2015. Collection method: not provided. Allele origin: germline. Inheritance: Autosomal recessive inheritance. Affected: yes.

Mayo Clinic Laboratories, Mayo Clinic
Classification: Benign. Last evaluated: 2017-09-27. Review status: no assertion criteria provided. Collection method: clinical testing. Allele origin: unknown. Not counted in ClinVar's aggregate classification.

Dr. Peter K. Rogan Lab, Western University
No classification provided (evidence only). Condition: Sarcoma. Review status: no classification provided. Collection method: in vitro. Allele origin: not applicable. Functional consequence: retained intron. Not counted in ClinVar's aggregate classification.